The following is an entry in ClinVar:

ClinVar aggregate classification (germline): Pathogenic (1 of 4 stars; one submission).

Submission:

GeneDx
Classification: Pathogenic. Last evaluated: 2018-08-21. Review status: criteria provided, single submitter. Criteria: GeneDx Variant Classification (06012015). Collection method: clinical testing. Allele origin: germline. Affected: yes.
Comment: The c.178delA pathogenic variant in the SLC2A1 gene causes a frameshift starting with codon Threonine 60, changesthis amino acid to an Arginine residue and creates a premature Stop codon at position 18 of the new reading frame,denoted p.Thr60ArgfsX18. This pathogenic variant is predicted to cause loss of normal protein function eitherthrough protein truncation or nonsense-mediated mRNA decay. Furthermore, the c.178delA variant is not observed inlarge population cohorts (Lek et al., 2016).

NM_006516.4(SLC2A1):c.178del (p.Thr60fs)

Gene: SLC2A1 (solute carrier family 2 member 1; minus strand). Cytogenetic location: 1p34.2.
Variant type: Deletion.
Coding change: c.178del on transcript NM_006516.4 (MANE Select); coding-DNA position 178, one base deleted (A; older notation c.178delA).
Protein change: p.Thr60fs; shifts the reading frame from threonine 60.
Molecular consequence: frameshift variant.
Genome position (GRCh38, 1-based): chr1:42,931,143, T deleted on the plus strand (A on the coding strand, the reverse complement: SLC2A1 is on the minus strand). VCF-style (leftmost placement, unchanged base first): chr1-42931142-GT-G. GRCh37 (hg19) VCF-style: chr1-43396813-GT-G.
Other names: short protein forms T60fs.
Identifiers: ClinVar variation 817200 (VCV000817200.1), dbSNP rs1570593893, ClinGen allele CA915941238.